The following is an entry in ClinVar:

ClinVar aggregate classification (germline): Conflicting classifications of pathogenicity. Review status: criteria provided, conflicting classifications (1 of 4 stars). 3 submissions from 3 submitters: Uncertain significance (2); Likely benign (1). Last evaluated 2025-02-17.

Conditions:
Hereditary spastic paraplegia. Also called: Familial spastic paraparesis. Identifiers: Orphanet 685, MedGen C0037773, MONDO:0019064. Disease mechanism: loss of function.
Inborn genetic diseases. Identifiers: MedGen C0950123, MeSH D030342.
Neuropathy, hereditary sensory, type 2C. Also called: KIF1A-Related HSAN2 (HSAN2C); Hereditary sensory and autonomic neuropathy type IIC. Identifiers: Orphanet 970, MedGen C3280168, MONDO:0013634, OMIM 614213.
Intellectual disability, autosomal dominant 9 (NESCAVS). Also called: KIF1A-Related Neurodevelopmental Disorder; NESCAV SYNDROME. Identifiers: Orphanet 662367, MedGen C5393830, MONDO:0013656, OMIM 614255.
Hereditary spastic paraplegia 30. Identifiers: Orphanet 101010, MedGen C5235139, MONDO:0012476.

Allele frequency attached by ClinVar (database versions not stated): gnomAD 0.00001; gnomAD exomes 0.00001; TOPMed 0.00001.
gnomAD v4.1: 20 of 1,611,642 alleles (0.0012%); highest among the groups gnomAD compares: East Asian, 0.0045%; no homozygotes.

Submissions (3):

Labcorp Genetics (formerly Invitae), Labcorp
Classification: Likely benign for Hereditary spastic paraplegia 30; Neuropathy, hereditary sensory, type 2C; Intellectual disability, autosomal dominant 9. Last evaluated: 2025-02-17. Review status: criteria provided, single submitter. Criteria: Invitae Variant Classification Sherloc (09022015). Collection method: clinical testing. Allele origin: germline.

Genome Diagnostics Laboratory, The Hospital for Sick Children
Classification: Uncertain significance for Hereditary spastic paraplegia. Last evaluated: 2021-10-21. Review status: criteria provided, single submitter. Criteria: ACMG Guidelines, 2015. Collection method: clinical testing. Allele origin: germline. Affected: yes.

Ambry Genetics
Classification: Uncertain significance for Inborn genetic diseases. Last evaluated: 2019-09-12. Review status: criteria provided, single submitter. Criteria: Ambry Variant Classification Scheme 2023. Collection method: clinical testing. Allele origin: germline.
Comment: The p.R1790Q variant (also known as c.5369G>A), located in coding exon 48 of the KIF1A gene, results from a G to A substitution at nucleotide position 5369. The arginine at codon 1790 is replaced by glutamine, an amino acid with highly similar properties. This amino acid position is highly conserved in available vertebrate species. In addition, this alteration is predicted to be tolerated by in silico analysis. Since supporting evidence is limited at this time, the clinical significance of this alteration remains unclear.

NM_001244008.2(KIF1A):c.5369G>A (p.Arg1790Gln)

Gene: KIF1A (kinesin family member 1A; minus strand). Cytogenetic location: 2q37.3.
Variant type: single nucleotide variant.
Coding change: c.5369G>A on transcript NM_001244008.2 (MANE Select); coding-DNA position 5369, G replaced by A.
Protein change: p.Arg1790Gln; replaces arginine 1790 with glutamine.
Molecular consequence: missense variant.
Genome position (GRCh38, 1-based): chr2:240,717,371, C>T on the plus strand (G>A on the coding strand, the complement: KIF1A is on the minus strand). VCF-style: chr2-240717371-C-T. GRCh37 (hg19) VCF-style: chr2-241656788-C-T.
Other names: c.5093G>A, p.Arg1698Gln (NM_001320705.2, NM_001379649.1); c.5120G>A, p.Arg1707Gln (NM_001330289.2); c.5168G>A, p.Arg1723Gln (NM_001330290.2, NM_001379648.1); c.5444G>A, p.Arg1815Gln (NM_001379631.1); c.5345G>A, p.Arg1782Gln (NM_001379632.1); c.5342G>A, p.Arg1781Gln (NM_001379633.1, NM_001379645.1); c.5195G>A, p.Arg1732Gln (NM_001379634.1); c.5192G>A, p.Arg1731Gln (NM_001379635.1, NM_001379646.1); and 8 more; short protein forms R1677Q, R1688Q, R1689Q, R1697Q, R1698Q, R1706Q, R1707Q, R1714Q.
Identifiers: ClinVar variation 1344384 (VCV001344384.13), dbSNP rs1349426679, ClinGen allele CA351297194.